The following is an entry in ClinVar:

ClinVar aggregate classification (germline): Uncertain significance (1 of 4 stars; one submission).

Submission:

GeneDx
Classification: Uncertain significance. Last evaluated: 2019-09-30. Review status: criteria provided, single submitter. Criteria: GeneDx Variant Classification Process June 2021. Collection method: clinical testing. Allele origin: germline. Affected: yes.
Comment: Not observed in large population cohorts (Lek et al., 2016); In silico analysis, which includes protein predictors and evolutionary conservation, supports that this variant does not alter protein structure/function; Has not been previously published as pathogenic or benign to our knowledge; Variants in candidate genes are classified as variants of uncertain significance in accordance with ACMG guidelines (Richards et al., 2015)

NM_032188.3(KAT8):c.617A>G (p.Lys206Arg)

Gene: KAT8 (lysine acetyltransferase 8; plus strand). Cytogenetic location: 16p11.2.
Variant type: single nucleotide variant.
Coding change: c.617A>G on transcript NM_032188.3 (MANE Select); coding-DNA position 617, A replaced by G.
Protein change: p.Lys206Arg; replaces lysine 206 with arginine.
Molecular consequence: missense variant.
Genome position (GRCh38, 1-based): chr16:31,127,289, A>G. VCF-style: chr16-31127289-A-G. GRCh37 (hg19) VCF-style: chr16-31138610-A-G.
Other names: c.617A>G, p.Lys206Arg (NM_182958.4); short protein forms K206R.
Identifiers: ClinVar variation 1308708 (VCV001308708.2), dbSNP rs2057539033, ClinGen allele CA395672946.
Genomic context (GRCh38, chr16:31,127,289, plus strand): 5'-ACTACGAAATTGATGCCTGGTATTTCTCACCATTCCCCGAAGACTATGGGAAACAGCCCA[A>G]GCTCTGGCTCTGCGAGTACTGCCTCAAGTACATGAAATATGAGAAGAGCTACCGCTTCCA-3'
Protein context (NP_115564.2, residues 196-216): PFPEDYGKQP[Lys206Arg]LWLCEYCLKY